The following is an entry in ClinVar:

ClinVar aggregate classification (germline): Likely benign. Review status: criteria provided, multiple submitters, no conflicts (2 of 4 stars). 2 submissions from 2 submitters: Likely benign (2). Last evaluated 2025-01-23.

Conditions:
PCNT-related disorder. Also called: PCNT-related condition.

Allele frequency attached by ClinVar (database versions not stated): TOPMed below 0.00001; gnomAD 0.00001; gnomAD exomes 0.00004.
gnomAD v4.1: 57 of 1,613,960 alleles (0.0035%); highest among the groups gnomAD compares: Non-Finnish European, 0.0047%; no homozygotes.

Submissions (2):

PreventionGenetics, part of Exact Sciences
Classification: Likely benign for PCNT-related condition. Last evaluated: 2025-01-23. Review status: criteria provided, single submitter. Criteria: ACMG Guidelines, 2015. Collection method: clinical testing. Allele origin: germline.
Comment: This variant is classified as likely benign based on ACMG/AMP sequence variant interpretation guidelines (Richards et al. 2015 PMID: 25741868, with internal and published modifications).

Labcorp Genetics (formerly Invitae), Labcorp
Classification: Likely benign. Last evaluated: 2024-02-22. Review status: criteria provided, single submitter. Criteria: Invitae Variant Classification Sherloc (09022015). Collection method: clinical testing. Allele origin: germline.

NM_006031.6(PCNT):c.246A>G (p.Ala82=)

Gene: PCNT (pericentrin; plus strand). Cytogenetic location: 21q22.3.
Variant type: single nucleotide variant.
Coding change: c.246A>G on transcript NM_006031.6 (MANE Select); coding-DNA position 246, A replaced by G.
Protein change: p.Ala82=; no amino-acid change (alanine 82 retained).
Molecular consequence: synonymous variant. On other transcripts: 5 prime UTR variant (1).
Genome position (GRCh38, 1-based): chr21:46,326,568, A>G. VCF-style: chr21-46326568-A-G. GRCh37 (hg19) VCF-style: chr21-47746482-A-G.
Other names: c.-109A>G (NM_001315529.2); c.246A>G (NM_006031.5).
Identifiers: ClinVar variation 2885240 (VCV002885240.4), dbSNP rs746890632, ClinGen allele CA321998465.